The following is an entry in ClinVar:

NM_001369.3(DNAH5):c.11839G>A (p.Val3947Met)

Gene: DNAH5 (dynein axonemal heavy chain 5; minus strand). Cytogenetic location: 5p15.2.
Variant type: single nucleotide variant.
Coding change: c.11839G>A on transcript NM_001369.3 (MANE Select); coding-DNA position 11839, G replaced by A.
Protein change: p.Val3947Met; replaces valine 3947 with methionine.
Molecular consequence: missense variant.
Genome position (GRCh38, 1-based): chr5:13,729,483, C>T on the plus strand (G>A on the coding strand, the complement: DNAH5 is on the minus strand). VCF-style: chr5-13729483-C-T. GRCh37 (hg19) VCF-style: chr5-13729592-C-T.
Other names: short protein forms V3947M.
Identifiers: ClinVar variation 4811807 (VCV004811807.1).

ClinVar aggregate classification (germline): Uncertain significance (1 of 4 stars; one submission).

Conditions:
Primary ciliary dyskinesia. Also called: Ciliary dyskinesia. Identifiers: Orphanet 244, MedGen C0008780, MONDO:0016575, HP:0012265.

Submission:

Labcorp Genetics (formerly Invitae), Labcorp
Classification: Uncertain significance for Primary ciliary dyskinesia. Last evaluated: 2025-08-11. Review status: criteria provided, single submitter. Criteria: Invitae Variant Classification Sherloc (09022015). Collection method: clinical testing. Allele origin: germline.
Comment: This sequence change replaces valine, which is neutral and non-polar, with methionine, which is neutral and non-polar, at codon 3947 of the DNAH5 protein (p.Val3947Met). This variant is not present in population databases (gnomAD no frequency). This variant has not been reported in the literature in individuals affected with DNAH5-related conditions. Invitae Evidence Modeling of protein sequence and biophysical properties (such as structural, functional, and spatial information, amino acid conservation, physicochemical variation, residue mobility, and thermodynamic stability) indicates that this missense variant is not expected to disrupt DNAH5 protein function with a negative predictive value of 95%. In summary, the available evidence is currently insufficient to determine the role of this variant in disease. Therefore, it has been classified as a Variant of Uncertain Significance.